The following is an entry in ClinVar:

ClinVar aggregate classification (germline): Uncertain significance. Review status: criteria provided, multiple submitters, no conflicts (2 of 4 stars). 3 submissions from 3 submitters: Uncertain significance (2). 1 of the submissions does not count toward it. Last evaluated 2026-01-19.

Conditions:
Autosomal recessive spastic paraplegia type 78. Identifiers: Orphanet 513436, MedGen C5567893, MONDO:0014975, OMIM 617225.
Kufor-Rakeb syndrome (KRS). Also called: PARKINSON DISEASE 9, AUTOSOMAL RECESSIVE, JUVENILE-ONSET. Identifiers: Orphanet 306674, Orphanet 314632, MedGen C1847640, MONDO:0011706, OMIM 606693.
Inborn genetic diseases. Identifiers: MedGen C0950123, MeSH D030342.
ATP13A2-related disorder. Also called: ATP13A2-related condition; ATP13A2-related disorders.

Allele frequency attached by ClinVar (database versions not stated): ESP Exome Variant Server 0.00016.
gnomAD v4.1: 24 of 1,571,080 alleles (0.0015%); highest among the groups gnomAD compares: Non-Finnish European, 0.0021%; no homozygotes.

Submissions (3):

Labcorp Genetics (formerly Invitae), Labcorp
Classification: Uncertain significance for Kufor-Rakeb syndrome; Autosomal recessive spastic paraplegia type 78. Last evaluated: 2026-01-19. Review status: criteria provided, single submitter. Criteria: Invitae Variant Classification Sherloc (09022015). Collection method: clinical testing. Allele origin: germline.
Comment: This sequence change replaces glycine, which is neutral and non-polar, with serine, which is neutral and polar, at codon 522 of the ATP13A2 protein (p.Gly522Ser). This variant is not present in population databases (gnomAD no frequency). This variant has not been reported in the literature in individuals affected with ATP13A2-related conditions. ClinVar contains an entry for this variant (Variation ID: 2150973). Invitae Evidence Modeling of protein sequence and biophysical properties (such as structural, functional, and spatial information, amino acid conservation, physicochemical variation, residue mobility, and thermodynamic stability) indicates that this missense variant is not expected to disrupt ATP13A2 protein function with a negative predictive value of 80%. In summary, the available evidence is currently insufficient to determine the role of this variant in disease. Therefore, it has been classified as a Variant of Uncertain Significance.

Ambry Genetics
Classification: Uncertain significance for Inborn genetic diseases. Last evaluated: 2022-11-07. Review status: criteria provided, single submitter. Criteria: Ambry Variant Classification Scheme 2023. Collection method: clinical testing. Allele origin: germline.

PreventionGenetics, part of Exact Sciences
Classification: Uncertain significance for ATP13A2-related condition. Last evaluated: 2024-05-27. Review status: no assertion criteria provided. Collection method: clinical testing. Allele origin: germline. Not counted in ClinVar's aggregate classification.
Comment: The ATP13A2 c.1564G>A variant is predicted to result in the amino acid substitution p.Gly522Ser. To our knowledge, this variant has not been reported in the literature or in a large population database, indicating this variant is rare. At this time, the clinical significance of this variant is uncertain due to the absence of conclusive functional and genetic evidence.

NM_022089.4(ATP13A2):c.1564G>A (p.Gly522Ser)

Gene: ATP13A2 (ATPase cation transporting 13A2; minus strand). Cytogenetic location: 1p36.13.
Variant type: single nucleotide variant.
Coding change: c.1564G>A on transcript NM_022089.4 (MANE Select); coding-DNA position 1564, G replaced by A.
Protein change: p.Gly522Ser; replaces glycine 522 with serine.
Molecular consequence: missense variant.
Genome position (GRCh38, 1-based): chr1:16,993,814, C>T on the plus strand (G>A on the coding strand, the complement: ATP13A2 is on the minus strand). VCF-style: chr1-16993814-C-T. GRCh37 (hg19) VCF-style: chr1-17320309-C-T.
Other names: c.1564G>A (NM_022089.3, NM_022089.2); c.1549G>A, p.Gly517Ser (NM_001141973.3, NM_001141974.3); short protein forms G517S, G522S.
Identifiers: ClinVar variation 2150973 (VCV002150973.6), dbSNP rs140278172, ClinGen allele CA637140.